The following is an entry in ClinVar:

ClinVar aggregate classification (germline): Pathogenic/Likely pathogenic. Review status: criteria provided, multiple submitters, no conflicts (2 of 4 stars). 4 submissions from 4 submitters: Pathogenic (3); Likely pathogenic (1). Last evaluated 2025-04-17.

Conditions:
Cardiovascular phenotype. Identifiers: MedGen CN230736.
Alstrom syndrome (ALMS). Identifiers: Orphanet 64, MedGen C0268425, MONDO:0008763, OMIM 203800.
ALMS1-related disorder. Also called: ALMS1-related condition.

Allele frequency attached by ClinVar (database versions not stated): ExAC 0.00001.
gnomAD v4.1: 3 of 1,614,044 alleles (0.00019%); highest among the groups gnomAD compares: Non-Finnish European, 0.00025%; no homozygotes.

Submissions (4):

Labcorp Genetics (formerly Invitae), Labcorp
Classification: Pathogenic for Alstrom syndrome. Last evaluated: 2025-04-17. Review status: criteria provided, single submitter. Criteria: Invitae Variant Classification Sherloc (09022015). Collection method: clinical testing. Allele origin: germline.
Comment: This sequence change creates a premature translational stop signal (p.Ser1142*) in the ALMS1 gene. It is expected to result in an absent or disrupted protein product. Loss-of-function variants in ALMS1 are known to be pathogenic (PMID: 17594715). The frequency data for this variant in the population databases is considered unreliable, as metrics indicate poor data quality at this position in the gnomAD database. This premature translational stop signal has been observed in individual(s) with Alström syndrome (PMID: 17594715). ClinVar contains an entry for this variant (Variation ID: 1351997). For these reasons, this variant has been classified as Pathogenic.

Natera, Inc.
Classification: Pathogenic for Alstrom syndrome. Last evaluated: 2024-10-08. Review status: criteria provided, single submitter. Criteria: Natera Variant Classification Schema (03/2026). Collection method: clinical testing. Allele origin: germline.
Comment: The c.3425C>G variant in ALMS1 is a nonsense variant predicted to introduce a stop codon at amino acid 1142. This variant is expected to result in nonsense mediated decay, truncation, or a dysfunctional protein product. This variant is rare in the general population with a frequency below the threshold expected for the associated phenotype(s). This variant has been observed in one or more individuals affected with the associated recessive disease, as either homozygous or compound heterozygous with a second variant (PMID: 21157496, 17594715). Given the available evidence, this variant is classified as Pathogenic.

Ambry Genetics
Classification: Pathogenic for Cardiovascular phenotype. Last evaluated: 2024-04-04. Review status: criteria provided, single submitter. Criteria: Ambry Variant Classification Scheme 2023. Collection method: clinical testing. Allele origin: germline.
Comment: The p.S1142* pathogenic mutation (also known as c.3425C>G), located in coding exon 8 of the ALMS1 gene, results from a C to G substitution at nucleotide position 3425. This changes the amino acid from a serine to a stop codon within coding exon 8. This variant has been identified in the homozygous state in individual(s) with features consistent with Alstr&ouml;m syndrome (Marshall JD et al. Hum Mutat, 2007 Nov;28:1114-23; Zulato E et al. PLoS One, 2011 Apr;6:e19081). This variant is considered to be rare based on population cohorts in the Genome Aggregation Database (gnomAD). This alteration is expected to result in loss of function by premature protein truncation or nonsense-mediated mRNA decay. As such, this alteration is interpreted as a disease-causing mutation.

Blueprint Genetics
Classification: Likely pathogenic for ALMS1-related disorders. Last evaluated: 2023-03-29. Review status: criteria provided, single submitter. Criteria: ACMG Guidelines, 2015. Collection method: clinical testing. Allele origin: germline. Affected: yes. Observed: 2 variant alleles.

Literature cited by the submitters: PubMed 17594715 (cited by 3 submitters); PubMed 21157496 (cited by Natera, Inc.); PubMed 21541333 (cited by Ambry Genetics).

NM_001378454.1(ALMS1):c.3422C>G (p.Ser1141Ter)

Gene: ALMS1 (ALMS1 centrosome and basal body associated protein; plus strand). Cytogenetic location: 2p13.1.
Variant type: single nucleotide variant.
Coding change: c.3422C>G on transcript NM_001378454.1 (MANE Select); coding-DNA position 3422, C replaced by G.
Protein change: p.Ser1141Ter; replaces serine 1141 with a stop codon.
Molecular consequence: nonsense.
Genome position (GRCh38, 1-based): chr2:73,449,949, C>G. VCF-style: chr2-73449949-C-G. GRCh37 (hg19) VCF-style: chr2-73677076-C-G.
Other names: c.3425C>G, p.Ser1142Ter (NM_015120.4); short protein forms S1142*, S1141*.
Identifiers: ClinVar variation 1351997 (VCV001351997.9), dbSNP rs780622565, ClinGen allele CA1713523.